The following is an entry in ClinVar:

NM_032153.6(ZIC4):c.161C>G (p.Ser54Cys)

Gene: ZIC4 (Zic family zinc finger 4; minus strand). Cytogenetic location: 3q24.
Variant type: single nucleotide variant.
Coding change: c.161C>G on transcript NM_032153.6 (MANE Select); coding-DNA position 161, C replaced by G.
Protein change: p.Ser54Cys; replaces serine 54 with cysteine.
Molecular consequence: missense variant. On other transcripts: intron variant (1).
Genome position (GRCh38, 1-based): chr3:147,396,379, G>C on the plus strand (C>G on the coding strand, the complement: ZIC4 is on the minus strand). VCF-style: chr3-147396379-G-C. GRCh37 (hg19) VCF-style: chr3-147114166-G-C.
Other names: c.311C>G, p.Ser104Cys (NM_001168378.1); c.275C>G, p.Ser92Cys (NM_001168379.2); c.71-5133C>G (NM_001243256.2); short protein forms S104C, S92C, S54C.
Identifiers: ClinVar variation 2012261 (VCV002012261.4), dbSNP rs2473089421, ClinGen allele CA354893497.

ClinVar aggregate classification (germline): Uncertain significance (1 of 4 stars; one submission).

gnomAD v4.1: 1 of 1,531,804 alleles (0.000065%); no homozygotes.

Submission:

Labcorp Genetics (formerly Invitae), Labcorp
Classification: Uncertain significance. Last evaluated: 2022-08-25. Review status: criteria provided, single submitter. Criteria: Invitae Variant Classification Sherloc (09022015). Collection method: clinical testing. Allele origin: germline.
Comment: This variant is not present in population databases (gnomAD no frequency). In summary, the available evidence is currently insufficient to determine the role of this variant in disease. Therefore, it has been classified as a Variant of Uncertain Significance. Algorithms developed to predict the effect of missense changes on protein structure and function (SIFT, PolyPhen-2, Align-GVGD) all suggest that this variant is likely to be disruptive. This variant has not been reported in the literature in individuals affected with ZIC4-related conditions. This sequence change replaces serine, which is neutral and polar, with cysteine, which is neutral and slightly polar, at codon 104 of the ZIC4 protein (p.Ser104Cys).